The following is an entry in ClinVar:

ClinVar aggregate classification (germline): Uncertain significance. Review status: criteria provided, multiple submitters, no conflicts (2 of 4 stars). 3 submissions from 3 submitters: Uncertain significance (3). Last evaluated 2023-05-26.

Conditions:
Mitochondrial hypertrophic cardiomyopathy with lactic acidosis due to MTO1 deficiency. Also called: CARDIOMYOPATHY, INFANTILE HYPERTROPHIC MITOCHONDRIAL, AND LACTIC ACIDOSIS; Combined oxidative phosphorylation deficiency 10. Identifiers: Orphanet 314637, MedGen C4749921, MONDO:0013865, OMIM 614702.
Inborn genetic diseases. Identifiers: MedGen C0950123, MeSH D030342.

Allele frequency attached by ClinVar (database versions not stated): ExAC 0.00006; gnomAD exomes 0.00007 and 0.00019; ESP Exome Variant Server 0.00008; gnomAD 0.00009 and 0.00010; TOPMed 0.00011.
gnomAD v4.1: 290 of 1,613,932 alleles (0.018%); highest among the groups gnomAD compares: Non-Finnish European, 0.024%; no homozygotes.

Submissions (3):

Mayo Clinic Laboratories, Mayo Clinic
Classification: Uncertain significance. Last evaluated: 2023-05-26. Review status: criteria provided, single submitter. Criteria: ACMG Guidelines, 2015. Collection method: clinical testing. Allele origin: germline. Observed: 1 variant allele.
Comment: BP4

Labcorp Genetics (formerly Invitae), Labcorp
Classification: Uncertain significance for Mitochondrial hypertrophic cardiomyopathy with lactic acidosis due to MTO1 deficiency. Last evaluated: 2022-08-20. Review status: criteria provided, single submitter. Criteria: Invitae Variant Classification Sherloc (09022015). Collection method: clinical testing. Allele origin: germline.
Comment: This sequence change replaces methionine, which is neutral and non-polar, with valine, which is neutral and non-polar, at codon 671 of the MTO1 protein (p.Met671Val). This variant is present in population databases (rs374410917, gnomAD 0.01%). This variant has not been reported in the literature in individuals affected with MTO1-related conditions. ClinVar contains an entry for this variant (Variation ID: 1355211). Algorithms developed to predict the effect of missense changes on protein structure and function output the following: SIFT: "Tolerated"; PolyPhen-2: "Benign"; Align-GVGD: "Class C0". The valine amino acid residue is found in multiple mammalian species, which suggests that this missense change does not adversely affect protein function. In summary, the available evidence is currently insufficient to determine the role of this variant in disease. Therefore, it has been classified as a Variant of Uncertain Significance.

Ambry Genetics
Classification: Uncertain significance for Inborn genetic diseases. Last evaluated: 2022-03-25. Review status: criteria provided, single submitter. Criteria: Ambry Variant Classification Scheme 2023. Collection method: clinical testing. Allele origin: germline.

NM_012123.4(MTO1):c.2011A>G (p.Met671Val)

Gene: MTO1 (mitochondrial tRNA translation optimization 1; plus strand). Cytogenetic location: 6q13.
Variant type: single nucleotide variant.
Coding change: c.2011A>G on transcript NM_012123.4 (MANE Select); coding-DNA position 2011, A replaced by G.
Protein change: p.Met671Val; replaces methionine 671 with valine.
Molecular consequence: missense variant.
Genome position (GRCh38, 1-based): chr6:73,500,667, A>G. VCF-style: chr6-73500667-A-G. GRCh37 (hg19) VCF-style: chr6-74210390-A-G.
Other names: p.Met671Val; c.2131A>G, p.Met711Val (NM_001123226.2); c.2086A>G, p.Met696Val (NM_133645.3); c.2131A>G (NM_001123226.1); short protein forms M696V, M711V, M671V.
Identifiers: ClinVar variation 1355211 (VCV001355211.5), dbSNP rs374410917, ClinGen allele CA3889810.